The following is an entry in ClinVar:

ClinVar aggregate classification (germline): Uncertain significance (1 of 4 stars; one submission).

Allele frequency attached by ClinVar (database versions not stated): TOPMed below 0.00001.

Submission:

Labcorp Genetics (formerly Invitae), Labcorp
Classification: Uncertain significance. Last evaluated: 2022-05-27. Review status: criteria provided, single submitter. Criteria: Invitae Variant Classification Sherloc (09022015). Collection method: clinical testing. Allele origin: germline.
Comment: In summary, the available evidence is currently insufficient to determine the role of this variant in disease. Therefore, it has been classified as a Variant of Uncertain Significance. Algorithms developed to predict the effect of sequence changes on RNA splicing suggest that this variant may create or strengthen a splice site. This sequence change affects codon 1078 of the PDE3A mRNA. It is a 'silent' change, meaning that it does not change the encoded amino acid sequence of the PDE3A protein. This variant is present in population databases (no rsID available, gnomAD 0.007%). This variant has not been reported in the literature in individuals affected with PDE3A-related conditions.

NM_000921.5(PDE3A):c.3234C>T (p.His1078=)

Gene: PDE3A (phosphodiesterase 3A; plus strand). Cytogenetic location: 12p12.2.
Variant type: single nucleotide variant.
Coding change: c.3234C>T on transcript NM_000921.5 (MANE Select); coding-DNA position 3234, C replaced by T.
Protein change: p.His1078=; no amino-acid change (histidine 1078 retained).
Molecular consequence: synonymous variant. On other transcripts: missense variant (1).
Genome position (GRCh38, 1-based): chr12:20,680,079, C>T. VCF-style: chr12-20680079-C-T. GRCh37 (hg19) VCF-style: chr12-20833013-C-T.
Other names: c.2268C>T, p.His756= (NM_001244683.2); c.2928C>T, p.His976= (NM_001378407.1); c.2347C>T, p.Pro783Ser (NM_001378408.1); short protein forms P783S.
Identifiers: ClinVar variation 1999705 (VCV001999705.4), dbSNP rs1423318062, ClinGen allele CA479104341.